The following is an entry in ClinVar:

ClinVar aggregate classification (germline): Uncertain significance (1 of 4 stars; one submission).

Allele frequency attached by ClinVar (database versions not stated): gnomAD exomes below 0.00001; TOPMed 0.00001.
gnomAD v4.1: 2 of 1,614,286 alleles (0.00012%); highest among the groups gnomAD compares: Non-Finnish European, 0.000085%; no homozygotes.

Submission:

Labcorp Genetics (formerly Invitae), Labcorp
Classification: Uncertain significance. Last evaluated: 2026-02-02. Review status: criteria provided, single submitter. Criteria: Invitae Variant Classification Sherloc (09022015). Collection method: clinical testing. Allele origin: germline.
Comment: This sequence change replaces alanine, which is neutral and non-polar, with valine, which is neutral and non-polar, at codon 2963 of the SZT2 protein (p.Ala2963Val). This variant is not present in population databases (gnomAD no frequency). This variant has not been reported in the literature in individuals affected with SZT2-related conditions. ClinVar contains an entry for this variant (Variation ID: 1376013). Invitae Evidence Modeling of protein sequence and biophysical properties (such as structural, functional, and spatial information, amino acid conservation, physicochemical variation, residue mobility, and thermodynamic stability) indicates that this missense variant is not expected to disrupt SZT2 protein function with a negative predictive value of 80%. In summary, the available evidence is currently insufficient to determine the role of this variant in disease. Therefore, it has been classified as a Variant of Uncertain Significance.

NM_001365999.1(SZT2):c.9059C>T (p.Ala3020Val)

Gene: SZT2 (SZT2 subunit of KICSTOR complex; plus strand). Cytogenetic location: 1p34.2.
Variant type: single nucleotide variant.
Coding change: c.9059C>T on transcript NM_001365999.1 (MANE Select); coding-DNA position 9059, C replaced by T.
Protein change: p.Ala3020Val; replaces alanine 3020 with valine.
Molecular consequence: missense variant.
Genome position (GRCh38, 1-based): chr1:43,446,403, C>T. VCF-style: chr1-43446403-C-T. GRCh37 (hg19) VCF-style: chr1-43912074-C-T.
Other names: c.8888C>T, p.Ala2963Val (NM_015284.4); short protein forms A2963V, A3020V.
Identifiers: ClinVar variation 1376013 (VCV001376013.7), dbSNP rs1208994082, ClinGen allele CA340042161.